The following is an entry in ClinVar:

ClinVar aggregate classification (germline): Likely pathogenic (1 of 4 stars; one submission).

Conditions:
Autosomal recessive inheritance. Identifiers: MedGen C0441748, HP:0000007.
Global developmental delay (DD). Also called: Cognitive delay. Identifiers: MedGen C0557874, HP:0001263. Disease mechanism: loss of function.
Seizure. Also called: Seizures. Identifiers: MedGen C0036572, HP:0001250.

Submissions (2):

Institute of Human Genetics, University of Leipzig Medical Center
Classification: Likely pathogenic for Autosomal recessive inheritance; Seizure; Global developmental delay. Last evaluated: 2019-10-17. Review status: criteria provided, single submitter. Criteria: ACMG Guidelines, 2015. Collection method: clinical testing. Allele origin: germline. Affected: yes.
Comment: This variant was identified comp-het. with c.805G>A; p.(Gly269Arg)

Channelopathy-Associated Epilepsy Research Center
No classification provided (evidence only). Condition: Complex neurodevelopmental disorder. Review status: no classification provided. Collection method: literature only. Allele origin: not applicable. Functional consequence: Normal peak current, Normal voltage dependence of activation, Mild-moderate hyperpolarizing shift of voltage dependence of fast inactivation, Normal slope of activation, Normal slope of fast inactivation, Overall loss-of-function effect with respect to biophysical channel activity. Not counted in ClinVar's aggregate classification.
ClinVar note: "not provided" was previously submitted as the classification for the variant. However, the classification appeared to be based only on an observation of functional data so it was converted to no classification on 2025-07-30.

Literature cited by the submitters: PubMed 31625145 (cited by Institute of Human Genetics, University of Leipzig Medical Center and Channelopathy-Associated Epilepsy Research Center).

NM_001330260.2(SCN8A):c.4079C>A (p.Thr1360Asn)

Gene: SCN8A (sodium voltage-gated channel alpha subunit 8; plus strand). Cytogenetic location: 12q13.13.
Variant type: single nucleotide variant.
Coding change: c.4079C>A on transcript NM_001330260.2 (MANE Select); coding-DNA position 4079, C replaced by A.
Protein change: p.Thr1360Asn; replaces threonine 1360 with asparagine.
Molecular consequence: missense variant.
Genome position (GRCh38, 1-based): chr12:51,786,678, C>A. VCF-style: chr12-51786678-C-A. GRCh37 (hg19) VCF-style: chr12-52180462-C-A.
Other names: c.3956C>A, p.Thr1319Asn (NM_001177984.3, NM_001369788.1); c.4079C>A, p.Thr1360Asn (NM_014191.4); short protein forms T1319N, T1360N.
Identifiers: ClinVar variation 1325767 (VCV001325767.3), dbSNP rs2138904306, ClinGen allele CA384905457.